The following is an entry in ClinVar:

ClinVar aggregate classification (germline): Uncertain significance. Review status: criteria provided, multiple submitters, no conflicts (2 of 4 stars). 3 submissions from 3 submitters: Uncertain significance (3). Last evaluated 2024-08-14.

Allele frequency attached by ClinVar (database versions not stated): gnomAD exomes 0.00005 and 0.00013; TOPMed 0.00008; gnomAD 0.00010 and 0.00011.
gnomAD v4.1: 192 of 1,550,794 alleles (0.012%); highest among the groups gnomAD compares: Non-Finnish European, 0.016%; no homozygotes.

Submissions (3):

Women's Health and Genetics/Laboratory Corporation of America, LabCorp
Classification: Uncertain significance. Last evaluated: 2024-08-14. Review status: criteria provided, single submitter. Criteria: LabCorp Variant Classification Summary - May 2015. Collection method: clinical testing. Allele origin: germline.
Comment: Variant summary: UNC80 c.3542G>A (p.Arg1181Gln) results in a conservative amino acid change in the encoded protein sequence. Three of five in-silico tools predict a benign effect of the variant on protein function. The variant allele was found at a frequency of 5.1e-05 in 156468 control chromosomes. The available data on variant occurrences in the general population are insufficient to allow any conclusion about variant significance. To our knowledge, no occurrence of c.3542G>A in individuals affected with Infantile Hypotonia With Psychomotor Retardation And Characteristic Facies 2 and no experimental evidence demonstrating its impact on protein function have been reported. ClinVar contains an entry for this variant (Variation ID: 1522812). Based on the evidence outlined above, the variant was classified as uncertain significance.

Blueprint Genetics
Classification: Uncertain significance. Last evaluated: 2023-09-08. Review status: criteria provided, single submitter. Criteria: ACMG Guidelines, 2015. Collection method: clinical testing. Allele origin: germline.

Labcorp Genetics (formerly Invitae), Labcorp
Classification: Uncertain significance. Last evaluated: 2022-08-11. Review status: criteria provided, single submitter. Criteria: Invitae Variant Classification Sherloc (09022015). Collection method: clinical testing. Allele origin: germline.
Comment: This sequence change replaces arginine, which is basic and polar, with glutamine, which is neutral and polar, at codon 1181 of the UNC80 protein (p.Arg1181Gln). This variant is present in population databases (rs753202029, gnomAD 0.01%). This variant has not been reported in the literature in individuals affected with UNC80-related conditions. ClinVar contains an entry for this variant (Variation ID: 1522812). Algorithms developed to predict the effect of missense changes on protein structure and function are either unavailable or do not agree on the potential impact of this missense change (SIFT: "Not Available"; PolyPhen-2: "Probably Damaging"; Align-GVGD: "Not Available"). In summary, the available evidence is currently insufficient to determine the role of this variant in disease. Therefore, it has been classified as a Variant of Uncertain Significance.

NM_001371986.1(UNC80):c.3536G>A (p.Arg1179Gln)

Gene: UNC80 (unc-80 subunit of NALCN channel complex; plus strand). Cytogenetic location: 2q34.
Variant type: single nucleotide variant.
Coding change: c.3536G>A on transcript NM_001371986.1 (MANE Select); coding-DNA position 3536, G replaced by A.
Protein change: p.Arg1179Gln; replaces arginine 1179 with glutamine.
Molecular consequence: missense variant.
Genome position (GRCh38, 1-based): chr2:209,849,532, G>A. VCF-style: chr2-209849532-G-A. GRCh37 (hg19) VCF-style: chr2-210714256-G-A.
Other names: c.3542G>A, p.Arg1181Gln (NM_032504.2); c.3527G>A, p.Arg1176Gln (NM_182587.4); short protein forms R1176Q, R1181Q, R1179Q.
Identifiers: ClinVar variation 1522812 (VCV001522812.5), dbSNP rs753202029, ClinGen allele CA65032887.